The following is an entry in ClinVar:

NM_006031.6(PCNT):c.721-2A>G

Gene: PCNT (pericentrin; plus strand). Cytogenetic location: 21q22.3.
Variant type: single nucleotide variant.
Coding change: c.721-2A>G on transcript NM_006031.6 (MANE Select); the canonical splice acceptor site of the intron before coding-DNA position 721, A replaced by G.
Molecular consequence: splice acceptor variant.
Genome position (GRCh38, 1-based): chr21:46,346,741, A>G. VCF-style: chr21-46346741-A-G. GRCh37 (hg19) VCF-style: chr21-47766655-A-G.
Other names: c.367-2A>G (NM_001315529.2).
Identifiers: ClinVar variation 4996915 (VCV004996915.1).
Genomic context (GRCh38, chr21:46,346,741, plus strand): 5'-TCTCCCTGATGCGCCCTGGTTCTGACCATGGGCCCTTATCAGAGGCCTTTTCTCCGCCGC[A>G]GGCCGTGCATGGCCTTGAGCTGGAGGCGCTGCGCCTGAGTCTGAGCAACATGCACACGGC-3'

ClinVar aggregate classification (germline): Likely pathogenic (1 of 4 stars; one submission).

Conditions:
PCNT-related disorder. Also called: PCNT-related condition.

Submission:

PreventionGenetics, part of Exact Sciences
Classification: Likely pathogenic for PCNT-related condition. Last evaluated: 2025-01-18. Review status: criteria provided, single submitter. Criteria: ACMG Guidelines, 2015. Collection method: clinical testing. Allele origin: germline.
Comment: The PCNT c.721-2A>G variant is predicted to disrupt the AG splice acceptor site and interfere with normal splicing. To our knowledge, this variant has not been reported in the literature or in a large population database (gnomAD), indicating this variant is rare. Variants that disrupt the consensus splice acceptor site in PCNT are expected to be pathogenic. This variant is interpreted as likely pathogenic.